The following is an entry in ClinVar:

ClinVar aggregate classification (germline): Uncertain significance (1 of 4 stars; one submission).

Conditions:
Intellectual disability-severe speech delay-mild dysmorphism syndrome (IDDLA). Also called: Mental retardation with language impairment and autistic features; Intellectual developmental disorder with language impairment AND with or without autistic features; FOXP1 Syndrome. Identifiers: Orphanet 391372, MedGen C4013764, MONDO:0013352, OMIM 613670.

Allele frequency attached by ClinVar (database versions not stated): gnomAD exomes below 0.00001; TOPMed below 0.00001; ExAC 0.00001.
gnomAD v4.1: 2 of 1,613,762 alleles (0.00012%); highest among the groups gnomAD compares: South Asian, 0.0011%; no homozygotes.

Submission:

Neuberg Centre For Genomic Medicine, NCGM
Classification: Uncertain significance for Intellectual disability-severe speech delay-mild dysmorphism syndrome. Review status: criteria provided, single submitter. Criteria: ACMG Guidelines, 2015. Collection method: clinical testing. Allele origin: germline. Inheritance: Autosomal dominant inheritance. Affected: yes.
Comment: The c.802T>A (p.Ser268Thr) missense variant in FOXP1 gene has not been reported previously as a pathogenic variant nor as a benign variant, to our knowledge. The p.Ser268Thr variant is novel (not in any individuals) in gnomAD Exomes and 1000 Genomes. The amino acid Ser at position 268 is changed to a Thr changing protein sequence and it might alter its composition and physico-chemical properties. The variant is predicted to be damaging by SIFT and the residue is conserved across species. The amino acid change p.Ser268Thr in FOXP1 is predicted as conserved by GERP++ and PhyloP across 100 vertebrates. For these reasons, this variant has been classified as Variant of Uncertain Significance (VUS).

NM_001349338.3(FOXP1):c.802T>A (p.Ser268Thr)

Gene: FOXP1 (forkhead box P1; minus strand). Cytogenetic location: 3p13.
Variant type: single nucleotide variant.
Coding change: c.802T>A on transcript NM_001349338.3 (MANE Select); coding-DNA position 802, T replaced by A.
Protein change: p.Ser268Thr; replaces serine 268 with threonine.
Molecular consequence: missense variant. On other transcripts: non-coding transcript variant (2).
Genome position (GRCh38, 1-based): chr3:71,041,395, A>T on the plus strand (T>A on the coding strand, the complement: FOXP1 is on the minus strand). VCF-style: chr3-71041395-A-T. GRCh37 (hg19) VCF-style: chr3-71090546-A-T.
Other names: c.802T>A, p.Ser268Thr (NM_001244808.3, NM_001244810.2, NM_001244814.3 and 4 more transcripts); c.574T>A, p.Ser192Thr (NM_001244812.3); c.502T>A, p.Ser168Thr (NM_001244813.3, NM_001244815.2, NM_001349342.3 and 1 more transcripts); c.499T>A, p.Ser167Thr (NM_001349337.2, NM_001349343.3, NM_001349344.3); c.799T>A, p.Ser267Thr (NM_001349341.3); short protein forms S168T, S267T, S268T, S167T, S192T.
Identifiers: ClinVar variation 2585496 (VCV002585496.1), dbSNP rs757013954, ClinGen allele CA2491174.
Genomic context (GRCh38, chr3:71,041,395, plus strand): 5'-TTTTGGGAGTGTGGACTGAGAGCTGTCCATTGGTAGAGGCATGTGGGTTCATTATTAAGG[A>T]GGTCTTGGAAGGTGCAGAGGAGGAGACACATGTCGTGGTCAGATCCAAACTGCTGTGATT-3'
Protein context (NP_001336267.1, residues 258-278): CVSSSAPSKT[Ser268Thr]LIMNPHASTN